The following is an entry in ClinVar:

NM_000535.7(PMS2):c.929A>T (p.Tyr310Phe)

Gene: PMS2 (PMS1 homolog 2, mismatch repair system component; minus strand). Cytogenetic location: 7p22.1.
Variant type: single nucleotide variant.
Coding change: c.929A>T on transcript NM_000535.7 (MANE Select); coding-DNA position 929, A replaced by T.
Protein change: p.Tyr310Phe; replaces tyrosine 310 with phenylalanine.
Molecular consequence: missense variant. On other transcripts: 5 prime UTR variant (2), non-coding transcript variant (1).
Genome position (GRCh38, 1-based): chr7:5,992,032, T>A on the plus strand (A>T on the coding strand, the complement: PMS2 is on the minus strand). VCF-style: chr7-5992032-T-A. GRCh37 (hg19) VCF-style: chr7-6031663-T-A.
Other names: c.524A>T, p.Tyr175Phe (NM_001322003.2, NM_001322004.2, NM_001322005.2 and 2 more transcripts); c.929A>T, p.Tyr310Phe (NM_001322006.2, NM_001322014.2); c.611A>T, p.Tyr204Phe (NM_001322007.2, NM_001322008.2); c.-5A>T (NM_001322011.2, NM_001322012.2); c.356A>T, p.Tyr119Phe (NM_001322013.2); c.620A>T, p.Tyr207Phe (NM_001322015.2); short protein forms Y310F, Y207F, Y204F, Y175F, Y119F.
Identifiers: ClinVar variation 633369 (VCV000633369.10), dbSNP rs372172981, ClinGen allele CA366743178.

ClinVar aggregate classification (germline): Uncertain significance. Review status: criteria provided, multiple submitters, no conflicts (2 of 4 stars). 3 submissions from 3 submitters: Uncertain significance (3). Last evaluated 2025-05-02.

Conditions:
Hereditary cancer-predisposing syndrome. Also called: Tumor predisposition; Neoplastic Syndromes, Hereditary; Hereditary neoplastic syndrome; Hereditary Cancer Syndrome. Identifiers: Orphanet 140162, MedGen C0027672, MeSH D009386, MONDO:0015356.
Hereditary nonpolyposis colorectal neoplasms. Identifiers: MedGen C0009405, MeSH D003123.

Submissions (3):

Ambry Genetics
Classification: Uncertain significance for Hereditary cancer-predisposing syndrome. Last evaluated: 2025-05-02. Review status: criteria provided, single submitter. Criteria: Ambry Variant Classification Scheme 2023. Collection method: clinical testing. Allele origin: germline.
Comment: The p.Y310F variant (also known as c.929A>T), located in coding exon 9 of the PMS2 gene, results from an A to T substitution at nucleotide position 929. The tyrosine at codon 310 is replaced by phenylalanine, an amino acid with highly similar properties. This amino acid position is conserved. In addition, the in silico prediction for this alteration is inconclusive. Based on the available evidence, the clinical significance of this variant remains unclear.

Labcorp Genetics (formerly Invitae), Labcorp
Classification: Uncertain significance for Hereditary nonpolyposis colorectal neoplasms. Last evaluated: 2022-12-06. Review status: criteria provided, single submitter. Criteria: Invitae Variant Classification Sherloc (09022015). Collection method: clinical testing. Allele origin: germline.
Comment: This sequence change replaces tyrosine, which is neutral and polar, with phenylalanine, which is neutral and non-polar, at codon 310 of the PMS2 protein (p.Tyr310Phe). This variant is not present in population databases (gnomAD no frequency). This variant has not been reported in the literature in individuals affected with PMS2-related conditions. Advanced modeling of protein sequence and biophysical properties (such as structural, functional, and spatial information, amino acid conservation, physicochemical variation, residue mobility, and thermodynamic stability) has been performed at Invitae for this missense variant, however the output from this modeling did not meet the statistical confidence thresholds required to predict the impact of this variant on PMS2 protein function. In summary, the available evidence is currently insufficient to determine the role of this variant in disease. Therefore, it has been classified as a Variant of Uncertain Significance. ClinVar contains an entry for this variant (Variation ID: 633369).

Women's Health and Genetics/Laboratory Corporation of America, LabCorp
Classification: Uncertain significance. Last evaluated: 2018-01-03. Review status: criteria provided, single submitter. Criteria: LabCorp Variant Classification Summary - May 2015. Collection method: clinical testing. Allele origin: germline.
Comment: Variant summary: The PMS2 c.929A>T (p.Tyr310Phe) variant involves the alteration of a conserved nucleotide that is located in the DNA mismatch repair protein, C-terminal domain (InterPro). 3/4 in silico tools predict a damaging outcome for this variant (SNPsandGO not captured due to low reliability index). This variant is absent in 246090 control chromosomes. The variant of interest has not, to our knowledge, been reported in affected individuals via publications and/or reputable databases/clinical diagnostic laboratories; nor evaluated for functional impact by in vivo/vitro studies. Because of the absence of clinical information and the lack of functional studies, the variant is classified as a variant of uncertain significance (VUS) until additional information becomes available.